The following is an entry in ClinVar:

ClinVar aggregate classification (germline): Uncertain significance (1 of 4 stars; one submission).

Allele frequency attached by ClinVar (database versions not stated): gnomAD exomes below 0.00001.
gnomAD v4.1: 1 of 1,613,902 alleles (0.000062%); highest among the groups gnomAD compares: Non-Finnish European, 0.000085%; no homozygotes.

Submission:

Labcorp Genetics (formerly Invitae), Labcorp
Classification: Uncertain significance. Last evaluated: 2023-11-13. Review status: criteria provided, single submitter. Criteria: Invitae Variant Classification Sherloc (09022015). Collection method: clinical testing. Allele origin: germline.
Comment: This sequence change replaces aspartic acid, which is acidic and polar, with glutamic acid, which is acidic and polar, at codon 1616 of the COL11A1 protein (p.Asp1616Glu). This variant is not present in population databases (gnomAD no frequency). This variant has not been reported in the literature in individuals affected with COL11A1-related conditions. ClinVar contains an entry for this variant (Variation ID: 1392700). Advanced modeling of protein sequence and biophysical properties (such as structural, functional, and spatial information, amino acid conservation, physicochemical variation, residue mobility, and thermodynamic stability) performed at Invitae indicates that this missense variant is not expected to disrupt COL11A1 protein function with a negative predictive value of 95%. In summary, the available evidence is currently insufficient to determine the role of this variant in disease. Therefore, it has been classified as a Variant of Uncertain Significance.

NM_001854.4(COL11A1):c.4848C>A (p.Asp1616Glu)

Gene: COL11A1 (collagen type XI alpha 1 chain; minus strand). Cytogenetic location: 1p21.1.
Variant type: single nucleotide variant.
Coding change: c.4848C>A on transcript NM_001854.4 (MANE Select); coding-DNA position 4848, C replaced by A.
Protein change: p.Asp1616Glu; replaces aspartic acid 1616 with glutamic acid.
Molecular consequence: missense variant. On other transcripts: non-coding transcript variant (1).
Genome position (GRCh38, 1-based): chr1:102,886,817, G>T on the plus strand (C>A on the coding strand, the complement: COL11A1 is on the minus strand). VCF-style: chr1-102886817-G-T. GRCh37 (hg19) VCF-style: chr1-103352373-G-T.
Other names: c.4731C>A, p.Asp1577Glu (NM_001190709.2); c.4884C>A, p.Asp1628Glu (NM_080629.3); c.4500C>A, p.Asp1500Glu (NM_080630.4); short protein forms D1500E, D1616E, D1628E, D1577E.
Identifiers: ClinVar variation 1392700 (VCV001392700.6), dbSNP rs2100839539, ClinGen allele CA341211723.